The following is an entry in ClinVar:

ClinVar aggregate classification (germline): Uncertain significance. Review status: criteria provided, multiple submitters, no conflicts (2 of 4 stars). 2 submissions from 2 submitters: Uncertain significance (2). Last evaluated 2026-03-11.

Conditions:
Hereditary sensory neuropathy-deafness-dementia syndrome. Also called: NEUROPATHY, HEREDITARY SENSORY, WITH HEARING LOSS AND DEMENTIA; HSN IE; Hereditary sensory neuropathy type IE; Hereditary Sensory and Autonomic Neuropathy Type 1E (HSAN1E). Identifiers: Orphanet 456318, MedGen C3279885, MONDO:0013584, OMIM 614116.
DNMT1-related disorder. Also called: DNMT1-related condition. Identifiers: MedGen CN381527.

Allele frequency attached by ClinVar (database versions not stated): gnomAD 0.00004 and 0.00003; TOPMed 0.00004; gnomAD exomes below 0.00001 and 0.00002.
gnomAD v4.1: 34 of 1,614,084 alleles (0.0021%); highest among the groups gnomAD compares: East Asian, 0.0045%; no homozygotes.

Submissions (2):

PreventionGenetics, part of Exact Sciences
Classification: Uncertain significance for DNMT1-related condition. Last evaluated: 2026-03-11. Review status: criteria provided, single submitter. Criteria: ACMG Guidelines, 2015. Collection method: clinical testing. Allele origin: germline.
Comment: The DNMT1 c.874G>A variant is predicted to result in the amino acid substitution p.Glu292Lys. To our knowledge, this variant has not been reported in the literature. This variant is reported in 0.00088% of alleles in individuals of European (Non-Finnish) descent in gnomAD. At this time, the clinical significance of this variant is uncertain due to the absence of conclusive functional and genetic evidence.

Labcorp Genetics (formerly Invitae), Labcorp
Classification: Uncertain significance for Hereditary sensory neuropathy-deafness-dementia syndrome. Last evaluated: 2025-12-19. Review status: criteria provided, single submitter. Criteria: Invitae Variant Classification Sherloc (09022015). Collection method: clinical testing. Allele origin: germline.
Comment: This sequence change replaces glutamic acid, which is acidic and polar, with lysine, which is basic and polar, at codon 292 of the DNMT1 protein (p.Glu292Lys). This variant is present in population databases (no rsID available, gnomAD 0.0009%). This variant has not been reported in the literature in individuals affected with DNMT1-related conditions. ClinVar contains an entry for this variant (Variation ID: 539598). An algorithm developed to predict the effect of missense changes on protein structure and function (PolyPhen-2) suggests that this variant is likely to be tolerated. In summary, the available evidence is currently insufficient to determine the role of this variant in disease. Therefore, it has been classified as a Variant of Uncertain Significance.

NM_001130823.3(DNMT1):c.874G>A (p.Glu292Lys)

Gene: DNMT1 (DNA methyltransferase 1; minus strand). Cytogenetic location: 19p13.2.
Variant type: single nucleotide variant.
Coding change: c.874G>A on transcript NM_001130823.3 (MANE Select); coding-DNA position 874, G replaced by A.
Protein change: p.Glu292Lys; replaces glutamic acid 292 with lysine.
Molecular consequence: missense variant.
Genome position (GRCh38, 1-based): chr19:10,166,615, C>T on the plus strand (G>A on the coding strand, the complement: DNMT1 is on the minus strand). VCF-style: chr19-10166615-C-T. GRCh37 (hg19) VCF-style: chr19-10277291-C-T.
Other names: c.874G>A (NM_001130823.2, LRG_362t1); c.826G>A, p.Glu276Lys (NM_001318730.2, NM_001379.4); c.511G>A, p.Glu171Lys (NM_001318731.2); short protein forms E292K, E171K, E276K.
Identifiers: ClinVar variation 539598 (VCV000539598.7), dbSNP rs1257025095, ClinGen allele CA403941959.
Genomic context (GRCh38, chr19:10,166,615, plus strand): 5'-AGAAGAATGAGGGGGAGTTCAGAAACAAATAACCCGCCTTTACTTTCTCGTCTCCATCTT[C>T]GTCCTCGTCAGCCTGCACGCCTGCCCTGGCTTCTCTGTCCGGCTCCTCCTTCAGTTTCTG-3'
Protein context (NP_001124295.1, residues 282-302): ARAGVQADED[Glu292Lys]DGDEKDEKKH